The following is an entry in ClinVar:

NM_032776.3(JMJD1C):c.3164C>T (p.Ser1055Leu)

Gene: JMJD1C (jumonji domain containing 1C; minus strand). Cytogenetic location: 10q21.3.
Variant type: single nucleotide variant.
Coding change: c.3164C>T on transcript NM_032776.3 (MANE Select); coding-DNA position 3164, C replaced by T.
Protein change: p.Ser1055Leu; replaces serine 1055 with leucine.
Molecular consequence: missense variant. On other transcripts: non-coding transcript variant (1).
Genome position (GRCh38, 1-based): chr10:63,208,505, G>A on the plus strand (C>T on the coding strand, the complement: JMJD1C is on the minus strand). VCF-style: chr10-63208505-G-A. GRCh37 (hg19) VCF-style: chr10-64968265-G-A.
Other names: c.2618C>T, p.Ser873Leu (NM_001282948.2, NM_001318154.2); c.2300C>T, p.Ser767Leu (NM_001318153.2); c.3050C>T, p.Ser1017Leu (NM_001322252.2); c.2507C>T, p.Ser836Leu (NM_001322254.2, NM_001322258.2); c.3164C>T (NM_032776.1); short protein forms S1017L, S767L, S836L, S1055L, S873L.
Identifiers: ClinVar variation 3684458 (VCV003684458.3).
Genomic context (GRCh38, chr10:63,208,505, plus strand): 5'-GATACTGAGCGTTCTACATCCATATCTTGTTTGATGATATGGCTTTTAGGACTGGAAGAT[G>A]ATGATGCCACTCTGGAATAATTCTCTCTCTCACCCTCAAGTCCCTTGATTTTAGTTGTAA-3'
Protein context (NP_116165.1, residues 1045-1065): ERENYSRVAS[Ser1055Leu]SSSPKSHIIK

ClinVar aggregate classification (germline): Uncertain significance. Review status: criteria provided, multiple submitters, no conflicts (2 of 4 stars). 2 submissions from 2 submitters: Uncertain significance (2). Last evaluated 2025-01-14.

Conditions:
Early Myoclonic Encephalopathy. Identifiers: MedGen C0270855.

gnomAD v4.1: 4 of 1,613,932 alleles (0.00025%); highest among the groups gnomAD compares: Non-Finnish European, 0.00034%; no homozygotes.

Submissions (2):

Ambry Genetics
Classification: Uncertain significance. Last evaluated: 2025-01-14. Review status: criteria provided, single submitter. Criteria: Ambry Variant Classification Scheme 2023. Collection method: clinical testing. Allele origin: germline.

Labcorp Genetics (formerly Invitae), Labcorp
Classification: Uncertain significance for Early Myoclonic Encephalopathy. Last evaluated: 2024-04-01. Review status: criteria provided, single submitter. Criteria: Invitae Variant Classification Sherloc (09022015). Collection method: clinical testing. Allele origin: germline.
Comment: This sequence change replaces serine, which is neutral and polar, with leucine, which is neutral and non-polar, at codon 1055 of the JMJD1C protein (p.Ser1055Leu). This variant is present in population databases (rs769517760, gnomAD 0.0009%). This variant has not been reported in the literature in individuals affected with JMJD1C-related conditions. Advanced modeling of protein sequence and biophysical properties (such as structural, functional, and spatial information, amino acid conservation, physicochemical variation, residue mobility, and thermodynamic stability) performed at Invitae indicates that this missense variant is not expected to disrupt JMJD1C protein function with a negative predictive value of 80%. In summary, the available evidence is currently insufficient to determine the role of this variant in disease. Therefore, it has been classified as a Variant of Uncertain Significance.